The following is an entry in ClinVar:

NM_007078.3(LDB3):c.424T>C (p.Phe142Leu)

Gene: LDB3 (LIM domain binding 3; plus strand). Cytogenetic location: 10q23.2.
Variant type: single nucleotide variant.
Coding change: c.424T>C on transcript NM_007078.3 (MANE Select); coding-DNA position 424, T replaced by C.
Protein change: p.Phe142Leu; replaces phenylalanine 142 with leucine.
Molecular consequence: missense variant. On other transcripts: intron variant (5).
Genome position (GRCh38, 1-based): chr10:86,681,538, T>C. VCF-style: chr10-86681538-T-C. GRCh37 (hg19) VCF-style: chr10-88441295-T-C.
Other names: c.424T>C, p.Phe142Leu (NM_001080115.2, NM_001171610.2, NM_001171611.2 and 3 more transcripts); c.321+1381T>C (NM_001368068.1, NM_001368066.1, NM_001080114.2 and 2 more transcripts); short protein forms F142L.
Identifiers: ClinVar variation 1330379 (VCV001330379.15), dbSNP rs2132371597, ClinGen allele CA377453526.

ClinVar aggregate classification (germline): Uncertain significance. Review status: criteria provided, multiple submitters, no conflicts (2 of 4 stars). 2 submissions from 2 submitters: Uncertain significance (2). Last evaluated 2023-05-23.

Conditions:
Myofibrillar myopathy 4. Also called: Zaspopathy (type). Identifiers: Orphanet 98912, MedGen C4721886, MONDO:0012277, OMIM 609452.

Submissions (2):

Labcorp Genetics (formerly Invitae), Labcorp
Classification: Uncertain significance for Myofibrillar myopathy 4. Last evaluated: 2023-05-23. Review status: criteria provided, single submitter. Criteria: Invitae Variant Classification Sherloc (09022015). Collection method: clinical testing. Allele origin: germline.
Comment: In summary, the available evidence is currently insufficient to determine the role of this variant in disease. Therefore, it has been classified as a Variant of Uncertain Significance. Algorithms developed to predict the effect of sequence changes on RNA splicing suggest that this variant is not likely to affect RNA splicing. Experimental studies and prediction algorithms are not available or were not evaluated, and the functional significance of this variant is currently unknown. ClinVar contains an entry for this variant (Variation ID: 1330379). This variant has not been reported in the literature in individuals affected with LDB3-related conditions. This variant is not present in population databases (gnomAD no frequency). This sequence change replaces phenylalanine, which is neutral and non-polar, with leucine, which is neutral and non-polar, at codon 142 of the LDB3 protein (p.Phe142Leu). The LDB3 gene has multiple clinically relevant transcripts. This variant occurs in alternate transcript NM_007078.3, and corresponds to NM_001080116.1:c.321+1381T>C in the primary transcript.

ARUP Laboratories, Molecular Genetics and Genomics, ARUP Laboratories
Classification: Uncertain significance. Last evaluated: 2021-03-02. Review status: criteria provided, single submitter. Criteria: ARUP Molecular Germline Variant Investigation Process 2021. Collection method: clinical testing. Allele origin: germline.
Comment: The LDB3 c.424T>C; p.Phe142Leu variant, to our knowledge, is not reported in the medical literature or gene-specific databases. This variant is also absent from general population databases (Exome Variant Server, Genome Aggregation Database), indicating it is not a common polymorphism. The phenylalanine at codon 142 is weakly conserved, and computational analyses predict that this variant is neutral (REVEL: 0.111). However, due to limited information, the clinical significance of the p.Phe142Leu variant is uncertain at this time.